The following is an entry in ClinVar:

ClinVar aggregate classification (germline): Likely benign (0 of 4 stars; one submission).

Conditions:
COL7A1-related disorder. Also called: COL7A1- related disorders; COL7A1-related condition.

Submission:

PreventionGenetics, part of Exact Sciences
Classification: Likely benign for COL7A1-related condition. Last evaluated: 2020-10-27. Review status: no assertion criteria provided. Collection method: clinical testing. Allele origin: germline.
Comment: This variant is classified as likely benign based on ACMG/AMP sequence variant interpretation guidelines (Richards et al. 2015 PMID: 25741868, with internal and published modifications).

NM_000094.4(COL7A1):c.1626C>T (p.Arg542=)

Gene: COL7A1 (collagen type VII alpha 1 chain; minus strand). Cytogenetic location: 3p21.31.
Variant type: single nucleotide variant.
Coding change: c.1626C>T on transcript NM_000094.4 (MANE Select); coding-DNA position 1626, C replaced by T.
Protein change: p.Arg542=; no amino-acid change (arginine 542 retained).
Molecular consequence: synonymous variant.
Genome position (GRCh38, 1-based): chr3:48,591,474, G>A on the plus strand (C>T on the coding strand, the complement: COL7A1 is on the minus strand). VCF-style: chr3-48591474-G-A. GRCh37 (hg19) VCF-style: chr3-48628907-G-A.
Identifiers: ClinVar variation 3033033 (VCV003033033.2), dbSNP rs2531309470, ClinGen allele CA433546035.